The following is an entry in ClinVar:

NM_003000.3(SDHB):c.641A>T (p.Gln214Leu)

Gene: SDHB (succinate dehydrogenase complex iron sulfur subunit B; minus strand). Cytogenetic location: 1p36.13.
Variant type: single nucleotide variant.
Coding change: c.641A>T on transcript NM_003000.3 (MANE Select); coding-DNA position 641, A replaced by T.
Protein change: p.Gln214Leu; replaces glutamine 214 with leucine.
Molecular consequence: missense variant.
Genome position (GRCh38, 1-based): chr1:17,023,974, T>A on the plus strand (A>T on the coding strand, the complement: SDHB is on the minus strand). VCF-style: chr1-17023974-T-A. GRCh37 (hg19) VCF-style: chr1-17350469-T-A.
Other names: c.587A>T, p.Gln196Leu (NM_001407361.1); short protein forms Q196L, Q214L.
Identifiers: ClinVar variation 5029265 (VCV005029265.1).

ClinVar aggregate classification (germline): Likely pathogenic (1 of 4 stars; one submission).

Conditions:
Hereditary cancer-predisposing syndrome. Also called: Neoplastic Syndromes, Hereditary; Tumor predisposition; Hereditary neoplastic syndrome; Hereditary Cancer Syndrome. Identifiers: Orphanet 140162, MedGen C0027672, MeSH D009386, MONDO:0015356.

Submission:

Ambry Genetics
Classification: Likely pathogenic for Hereditary cancer-predisposing syndrome. Last evaluated: 2026-07-06. Review status: criteria provided, single submitter. Criteria: Ambry Variant Classification Scheme 2023. Collection method: clinical testing. Allele origin: germline.
Comment: The p.Q214L variant (also known as c.641A>T), located in coding exon 6 of the SDHB gene, results from an A to T substitution at nucleotide position 641. The glutamine at codon 214 is replaced by leucine, an amino acid with dissimilar properties. This variant was reported in individual(s) with features consistent with SDHB-related hereditary pheochromocytoma-paraganglioma (Ambry internal data). This amino acid position is highly conserved in available vertebrate species. In addition, this alteration is predicted to be deleterious by in silico analysis. This variant is considered to be rare based on population cohorts in the Genome Aggregation Database (gnomAD). Based on the majority of available evidence to date, this variant is likely to be pathogenic.